The following is an entry in ClinVar:

NM_015474.4(SAMHD1):c.104G>A (p.Gly35Asp)

Gene: SAMHD1 (SAM and HD domain containing deoxynucleoside triphosphate triphosphohydrolase 1; minus strand). Cytogenetic location: 20q11.23.
Variant type: single nucleotide variant.
Coding change: c.104G>A on transcript NM_015474.4 (MANE Select); coding-DNA position 104, G replaced by A.
Protein change: p.Gly35Asp; replaces glycine 35 with aspartic acid.
Molecular consequence: missense variant.
Genome position (GRCh38, 1-based): chr20:36,951,540, C>T on the plus strand (G>A on the coding strand, the complement: SAMHD1 is on the minus strand). VCF-style: chr20-36951540-C-T. GRCh37 (hg19) VCF-style: chr20-35579943-C-T.
Other names: c.104G>A, p.Gly35Asp (NM_001363729.2, NM_001363733.2); short protein forms G35D.
Identifiers: ClinVar variation 1421212 (VCV001421212.4), dbSNP rs751026561, ClinGen allele CA408832344.

ClinVar aggregate classification (germline): Uncertain significance (1 of 4 stars; one submission).

Conditions:
Aicardi-Goutieres syndrome 5. Identifiers: Orphanet 51, MedGen C2749659, MONDO:0013059, OMIM 612952.

gnomAD v4.1: 1 of 1,614,206 alleles (0.000062%); highest among the groups gnomAD compares: Non-Finnish European, 0.000085%; no homozygotes.

Submission:

Labcorp Genetics (formerly Invitae), Labcorp
Classification: Uncertain significance for Aicardi-Goutieres syndrome 5. Last evaluated: 2026-02-02. Review status: criteria provided, single submitter. Criteria: Invitae Variant Classification Sherloc (09022015). Collection method: clinical testing. Allele origin: germline.
Comment: This sequence change replaces glycine, which is neutral and non-polar, with aspartic acid, which is acidic and polar, at codon 35 of the SAMHD1 protein (p.Gly35Asp). This variant is present in population databases (no rsID available, gnomAD 0.0009%). This variant has not been reported in the literature in individuals affected with SAMHD1-related conditions. ClinVar contains an entry for this variant (Variation ID: 1421212). Invitae Evidence Modeling of protein sequence and biophysical properties (such as structural, functional, and spatial information, amino acid conservation, physicochemical variation, residue mobility, and thermodynamic stability) indicates that this missense variant is not expected to disrupt SAMHD1 protein function with a negative predictive value of 95%. In summary, the available evidence is currently insufficient to determine the role of this variant in disease. Therefore, it has been classified as a Variant of Uncertain Significance.